The following is an entry in ClinVar:

NM_001170700.3(DTHD1):c.1681G>A (p.Ala561Thr)

Gene: DTHD1 (death domain containing 1; plus strand). Cytogenetic location: 4p14.
Variant type: single nucleotide variant.
Coding change: c.1681G>A on transcript NM_001170700.3 (MANE Select); coding-DNA position 1681, G replaced by A.
Protein change: p.Ala561Thr; replaces alanine 561 with threonine.
Molecular consequence: missense variant. On other transcripts: non-coding transcript variant (2).
Genome position (GRCh38, 1-based): chr4:36,306,228, G>A. VCF-style: chr4-36306228-G-A. GRCh37 (hg19) VCF-style: chr4-36307850-G-A.
Other names: c.811G>A, p.Ala271Thr (NM_001136536.5); c.748G>A, p.Ala250Thr (NM_001378435.1); short protein forms A250T, A271T, A561T.
Identifiers: ClinVar variation 1720488 (VCV001720488.5), dbSNP rs2529761962, ClinGen allele CA356680351.
Genomic context (GRCh38, chr4:36,306,228, plus strand): 5'-TCTCTTCTGTTACCATTATATAGGACAAAAATTGCCTCCATAAGAAAACCTAGGAAAAAT[G>A]CCAGTGAATGTTTGAAATTACTGGGATTCAGAAGCCAAGACAGTGGTTGGTGTGGGCTTG-3'
Protein context (NP_001164171.2, residues 551-571): IASIRKPRKN[Ala561Thr]SECLKLLGFR

ClinVar aggregate classification (germline): Uncertain significance (1 of 4 stars; one submission).

Allele frequency attached by ClinVar (database versions not stated): gnomAD exomes below 0.00001.
gnomAD v4.1: 1 of 1,551,860 alleles (0.000064%); no homozygotes.

Submission:

Labcorp Genetics (formerly Invitae), Labcorp
Classification: Uncertain significance. Last evaluated: 2022-09-27. Review status: criteria provided, single submitter. Criteria: Invitae Variant Classification Sherloc (09022015). Collection method: clinical testing. Allele origin: germline.
Comment: This sequence change replaces alanine, which is neutral and non-polar, with threonine, which is neutral and polar, at codon 271 of the DTHD1 protein (p.Ala271Thr). This variant is not present in population databases (gnomAD no frequency). This variant has not been reported in the literature in individuals affected with DTHD1-related conditions. Algorithms developed to predict the effect of missense changes on protein structure and function output the following: SIFT: "Tolerated"; PolyPhen-2: "Benign"; Align-GVGD: "Class C0". The threonine amino acid residue is found in multiple mammalian species, which suggests that this missense change does not adversely affect protein function. In summary, the available evidence is currently insufficient to determine the role of this variant in disease. Therefore, it has been classified as a Variant of Uncertain Significance.